The following is an entry in ClinVar:

NM_000310.4(PPT1):c.586C>T (p.Arg196Cys)

Gene: PPT1 (palmitoyl-protein thioesterase 1; minus strand). Cytogenetic location: 1p34.2.
Variant type: single nucleotide variant.
Coding change: c.586C>T on transcript NM_000310.4 (MANE Select); coding-DNA position 586, C replaced by T.
Protein change: p.Arg196Cys; replaces arginine 196 with cysteine.
Molecular consequence: missense variant.
Genome position (GRCh38, 1-based): chr1:40,080,438, G>A on the plus strand (C>T on the coding strand, the complement: PPT1 is on the minus strand). VCF-style: chr1-40080438-G-A. GRCh37 (hg19) VCF-style: chr1-40546110-G-A.
Other names: c.277C>T, p.Arg93Cys (NM_001142604.2); c.586C>T, p.Arg196Cys (NM_001363695.2); short protein forms R196C, R93C.
Identifiers: ClinVar variation 206649 (VCV000206649.12), dbSNP rs376715840, ClinGen allele CA316946.

ClinVar aggregate classification (germline): Uncertain significance. Review status: criteria provided, multiple submitters, no conflicts (2 of 4 stars). 3 submissions from 3 submitters: Uncertain significance (2). 1 of the submissions does not count toward it. Last evaluated 2026-01-05.

Conditions:
Inborn genetic diseases. Identifiers: MedGen C0950123, MeSH D030342.
Neuronal ceroid lipofuscinosis 1 (CLN1). Also called: CEROID LIPOFUSCINOSIS, NEURONAL, 1, VARIABLE AGE AT ONSET; PPT1-Related Neuronal Ceroid-Lipofuscinosis. Identifiers: Orphanet 228329, MedGen C1850451, MONDO:0009744, OMIM 256730.

Allele frequency attached by ClinVar (database versions not stated): gnomAD exomes 0.00001; ExAC 0.00002; TOPMed 0.00002; gnomAD 0.00003 and 0.00004; ESP Exome Variant Server 0.00008.
gnomAD v4.1: 20 of 1,613,856 alleles (0.0012%); highest among the groups gnomAD compares: Middle Eastern, 0.033%; no homozygotes.

Submissions (3):

Labcorp Genetics (formerly Invitae), Labcorp
Classification: Uncertain significance for Neuronal ceroid lipofuscinosis 1. Last evaluated: 2026-01-05. Review status: criteria provided, single submitter. Criteria: Invitae Variant Classification Sherloc (09022015). Collection method: clinical testing. Allele origin: germline.
Comment: This sequence change replaces arginine, which is basic and polar, with cysteine, which is neutral and slightly polar, at codon 196 of the PPT1 protein (p.Arg196Cys). This variant is present in population databases (rs376715840, gnomAD 0.01%). This variant has not been reported in the literature in individuals affected with PPT1-related conditions. ClinVar contains an entry for this variant (Variation ID: 206649). Invitae Evidence Modeling of protein sequence and biophysical properties (such as structural, functional, and spatial information, amino acid conservation, physicochemical variation, residue mobility, and thermodynamic stability) indicates that this missense variant is expected to disrupt PPT1 protein function with a positive predictive value of 80%. In summary, the available evidence is currently insufficient to determine the role of this variant in disease. Therefore, it has been classified as a Variant of Uncertain Significance.

Ambry Genetics
Classification: Uncertain significance for Inborn genetic diseases. Last evaluated: 2024-08-01. Review status: criteria provided, single submitter. Criteria: Ambry Variant Classification Scheme 2023. Collection method: clinical testing. Allele origin: germline.

Natera, Inc.
Classification: Uncertain significance for Neuronal ceroid lipofuscinosis 1. Last evaluated: 2020-12-09. Review status: no assertion criteria provided. Collection method: clinical testing. Allele origin: germline. Not counted in ClinVar's aggregate classification.